The following is an entry in ClinVar:

NM_019098.5(CNGB3):c.129+1G>A

Gene: CNGB3 (cyclic nucleotide gated channel subunit beta 3; minus strand). Cytogenetic location: 8q21.3.
Variant type: single nucleotide variant.
Coding change: c.129+1G>A on transcript NM_019098.5 (MANE Select); the canonical splice donor site of the intron after coding-DNA position 129, G replaced by A.
Molecular consequence: splice donor variant.
Genome position (GRCh38, 1-based): chr8:86,743,498, C>T on the plus strand (G>A on the coding strand, the complement: CNGB3 is on the minus strand). VCF-style: chr8-86743498-C-T. GRCh37 (hg19) VCF-style: chr8-87755726-C-T.
Identifiers: ClinVar variation 2735189 (VCV002735189.4), dbSNP rs770096659, ClinGen allele CA4800529.

ClinVar aggregate classification (germline): Likely pathogenic. Review status: criteria provided, multiple submitters, no conflicts (2 of 4 stars). 2 submissions from 2 submitters: Likely pathogenic (2). Last evaluated 2024-02-29.

Conditions:
Achromatopsia 3 (ACHM3). Also called: PINGELAPESE BLINDNESS; ACHROMATOPSIA WITH MYOPIA; TOTAL COLORBLINDNESS WITH MYOPIA; ROD MONOCHROMACY 1; ROD MONOCHROMATISM 1. Identifiers: Orphanet 49382, MedGen C1849792, MONDO:0009875, OMIM 262300.

Allele frequency attached by ClinVar (database versions not stated): gnomAD exomes below 0.00001; TOPMed below 0.00001; ExAC 0.00001.
gnomAD v4.1: 2 of 1,613,866 alleles (0.00012%); highest among the groups gnomAD compares: East Asian, 0.0045%; no homozygotes.

Submissions (2):

Fulgent Genetics
Classification: Likely pathogenic for Achromatopsia 3. Last evaluated: 2024-02-29. Review status: criteria provided, single submitter. Criteria: ACMG Guidelines, 2015. Collection method: clinical testing. Allele origin: germline.

Labcorp Genetics (formerly Invitae), Labcorp
Classification: Likely pathogenic. Last evaluated: 2023-08-19. Review status: criteria provided, single submitter. Criteria: Invitae Variant Classification Sherloc (09022015). Collection method: clinical testing. Allele origin: germline.
Comment: This sequence change affects a donor splice site in intron 1 of the CNGB3 gene. It is expected to disrupt RNA splicing. Variants that disrupt the donor or acceptor splice site typically lead to a loss of protein function (PMID: 16199547), and loss-of-function variants in CNGB3 are known to be pathogenic (PMID: 28795510). In summary, the currently available evidence indicates that the variant is pathogenic, but additional data are needed to prove that conclusively. Therefore, this variant has been classified as Likely Pathogenic. Algorithms developed to predict the effect of sequence changes on RNA splicing suggest that this variant may disrupt the consensus splice site. Disruption of this splice site has been observed in individual(s) with cone-rod dystrophy (PMID: 23776498). This variant is present in population databases (rs770096659, gnomAD 0.01%).

Literature cited by the submitters: PubMed 16199547 (cited by Labcorp Genetics (formerly Invitae), Labcorp); PubMed 28795510 (cited by Labcorp Genetics (formerly Invitae), Labcorp); PubMed 23776498 (cited by Labcorp Genetics (formerly Invitae), Labcorp).